The following is an entry in ClinVar:

ClinVar aggregate classification (germline): Uncertain significance (1 of 4 stars; one submission).

Submission:

Ambry Genetics
Classification: Uncertain significance. Last evaluated: 2023-08-30. Review status: criteria provided, single submitter. Criteria: Ambry Variant Classification Scheme 2023. Collection method: clinical testing. Allele origin: germline.
Comment: The p.S400P variant (also known as c.1198T>C), located in coding exon 4 of the PALLD gene, results from a T to C substitution at nucleotide position 1198. The serine at codon 400 is replaced by proline, an amino acid with similar properties. This amino acid position is conserved. In addition, this alteration is predicted to be deleterious by in silico analysis. Since supporting evidence is limited at this time, the clinical significance of this alteration remains unclear.

NM_001166108.2(PALLD):c.1198T>C (p.Ser400Pro)

Gene: PALLD (palladin, cytoskeletal associated protein; plus strand). Cytogenetic location: 4q32.3.
Variant type: single nucleotide variant.
Coding change: c.1198T>C on transcript NM_001166108.2 (MANE Select); coding-DNA position 1198, T replaced by C.
Protein change: p.Ser400Pro; replaces serine 400 with proline.
Molecular consequence: missense variant.
Genome position (GRCh38, 1-based): chr4:168,683,041, T>C. VCF-style: chr4-168683041-T-C. GRCh37 (hg19) VCF-style: chr4-169604192-T-C.
Other names: c.52T>C, p.Ser18Pro (NM_001166109.2); c.1198T>C, p.Ser400Pro (NM_016081.4); short protein forms S400P, S18P.
Identifiers: ClinVar variation 2625568 (VCV002625568.2), dbSNP rs2531590782, ClinGen allele CA358794234.